The following is an entry in ClinVar:

NM_001006658.3(CR2):c.2150G>T (p.Cys717Phe)

Gene: CR2 (complement C3d receptor 2; plus strand). Cytogenetic location: 1q32.2.
Variant type: single nucleotide variant.
Coding change: c.2150G>T on transcript NM_001006658.3 (MANE Select); coding-DNA position 2150, G replaced by T.
Protein change: p.Cys717Phe; replaces cysteine 717 with phenylalanine.
Molecular consequence: missense variant. On other transcripts: intron variant (1).
Genome position (GRCh38, 1-based): chr1:207,473,716, G>T. VCF-style: chr1-207473716-G-T. GRCh37 (hg19) VCF-style: chr1-207647061-G-T.
Other names: c.1979-85G>T (NM_001877.5); short protein forms C717F.
Identifiers: ClinVar variation 2053747 (VCV002053747.4), dbSNP rs2527224198, ClinGen allele CA344536315.

ClinVar aggregate classification (germline): Uncertain significance (1 of 4 stars; one submission).

Conditions:
Immunodeficiency, common variable, 7. Identifiers: Orphanet 1572, Orphanet 696894, MedGen C3542922, MONDO:0013862, OMIM 614699.

Submission:

Labcorp Genetics (formerly Invitae), Labcorp
Classification: Uncertain significance for Immunodeficiency, common variable, 7. Last evaluated: 2023-08-04. Review status: criteria provided, single submitter. Criteria: Invitae Variant Classification Sherloc (09022015). Collection method: clinical testing. Allele origin: germline.
Comment: In summary, the available evidence is currently insufficient to determine the role of this variant in disease. Therefore, it has been classified as a Variant of Uncertain Significance. An algorithm developed to predict the effect of missense changes on protein structure and function (PolyPhen-2) suggests that this variant is likely to be disruptive. ClinVar contains an entry for this variant (Variation ID: 2053747). This variant has not been reported in the literature in individuals affected with CR2-related conditions. This variant is not present in population databases (gnomAD no frequency). This sequence change replaces cysteine, which is neutral and slightly polar, with phenylalanine, which is neutral and non-polar, at codon 717 of the CR2 protein (p.Cys717Phe).